The following is an entry in ClinVar:

ClinVar aggregate classification (germline): Uncertain significance (1 of 4 stars; one submission).

Conditions:
Hereditary cancer-predisposing syndrome. Also called: Neoplastic Syndromes, Hereditary; Tumor predisposition; Hereditary neoplastic syndrome; Hereditary Cancer Syndrome. Identifiers: Orphanet 140162, MedGen C0027672, MeSH D009386, MONDO:0015356.
Cardiovascular phenotype. Identifiers: MedGen CN230736.

Submission:

Ambry Genetics
Classification: Uncertain significance for Cardiovascular phenotype; Hereditary cancer-predisposing syndrome. Last evaluated: 2023-12-18. Review status: criteria provided, single submitter. Criteria: Ambry Variant Classification Scheme 2023. Collection method: clinical testing. Allele origin: germline.
Comment: The p.H32Q variant (also known as c.96T>A), located in coding exon 1 of the LZTR1 gene, results from a T to A substitution at nucleotide position 96. The histidine at codon 32 is replaced by glutamine, an amino acid with highly similar properties. This amino acid position is conserved. In addition, the in silico prediction for this alteration is inconclusive. Since supporting evidence is limited at this time, the clinical significance of this alteration remains unclear.

NM_006767.4(LZTR1):c.96T>A (p.His32Gln)

Genes: LZTR1 (leucine zipper like post translational regulator 1; plus strand), LOC130067016 (ATAC-STARR-seq lymphoblastoid silent region 13504; plus strand). Cytogenetic location: 22q11.21.
Variant type: single nucleotide variant.
Coding change: c.96T>A on transcript NM_006767.4 (MANE Select); coding-DNA position 96, T replaced by A.
Protein change: p.His32Gln; replaces histidine 32 with glutamine.
Molecular consequence: missense variant.
Genome position (GRCh38, 1-based): chr22:20,982,467, T>A. VCF-style: chr22-20982467-T-A. GRCh37 (hg19) VCF-style: chr22-21336756-T-A.
Other names: short protein forms H32Q.
Identifiers: ClinVar variation 3238377 (VCV003238377.1), dbSNP rs372440263.